The following is an entry in ClinVar:

ClinVar aggregate classification (germline): Uncertain significance (1 of 4 stars; one submission).

Conditions:
Epilepsy. Also called: Seizure disorder. Identifiers: MedGen C0014544, MeSH D004827, MONDO:0005027.

gnomAD v4.1: 1 of 1,608,438 alleles (0.000062%); highest among the groups gnomAD compares: South Asian, 0.0011%; no homozygotes.

Submission:

Labcorp Genetics (formerly Invitae), Labcorp
Classification: Uncertain significance for Epilepsy. Last evaluated: 2023-10-13. Review status: criteria provided, single submitter. Criteria: Invitae Variant Classification Sherloc (09022015). Collection method: clinical testing. Allele origin: germline.
Comment: This sequence change replaces arginine, which is basic and polar, with leucine, which is neutral and non-polar, at codon 539 of the PIGQ protein (p.Arg539Leu). This variant is not present in population databases (gnomAD no frequency). This variant has not been reported in the literature in individuals affected with PIGQ-related conditions. ClinVar contains an entry for this variant (Variation ID: 1513035). An algorithm developed to predict the effect of missense changes on protein structure and function (PolyPhen-2) suggests that this variant is likely to be tolerated. In summary, the available evidence is currently insufficient to determine the role of this variant in disease. Therefore, it has been classified as a Variant of Uncertain Significance.

NM_004204.5(PIGQ):c.1616G>T (p.Arg539Leu)

Gene: PIGQ (phosphatidylinositol glycan anchor biosynthesis class Q; plus strand). Cytogenetic location: 16p13.3.
Variant type: single nucleotide variant.
Coding change: c.1616G>T on transcript NM_004204.5 (MANE Select); coding-DNA position 1616, G replaced by T.
Protein change: p.Arg539Leu; replaces arginine 539 with leucine.
Molecular consequence: missense variant. On other transcripts: synonymous variant (1).
Genome position (GRCh38, 1-based): chr16:582,905, G>T. VCF-style: chr16-582905-G-T. GRCh37 (hg19) VCF-style: chr16-632905-G-T.
Other names: c.1554G>T, p.Pro518= (NM_148920.4); short protein forms R539L.
Identifiers: ClinVar variation 1513035 (VCV001513035.8), dbSNP rs201105616, ClinGen allele CA394061010.